The following is an entry in ClinVar:

ClinVar aggregate classification (germline): Uncertain significance (1 of 4 stars; one submission).

Submission:

Labcorp Genetics (formerly Invitae), Labcorp
Classification: Uncertain significance. Last evaluated: 2024-12-16. Review status: criteria provided, single submitter. Criteria: Invitae Variant Classification Sherloc (09022015). Collection method: clinical testing. Allele origin: germline.
Comment: This sequence change replaces alanine, which is neutral and non-polar, with serine, which is neutral and polar, at codon 1392 of the KIDINS220 protein (p.Ala1392Ser). This variant is not present in population databases (gnomAD no frequency). This variant has not been reported in the literature in individuals affected with KIDINS220-related conditions. ClinVar contains an entry for this variant (Variation ID: 2120957). An algorithm developed to predict the effect of missense changes on protein structure and function (PolyPhen-2) suggests that this variant is likely to be tolerated. In summary, the available evidence is currently insufficient to determine the role of this variant in disease. Therefore, it has been classified as a Variant of Uncertain Significance.

NM_020738.4(KIDINS220):c.4174G>T (p.Ala1392Ser)

Gene: KIDINS220 (kinase D interacting substrate 220; minus strand). Cytogenetic location: 2p25.1.
Variant type: single nucleotide variant.
Coding change: c.4174G>T on transcript NM_020738.4 (MANE Select); coding-DNA position 4174, G replaced by T.
Protein change: p.Ala1392Ser; replaces alanine 1392 with serine.
Molecular consequence: missense variant. On other transcripts: intron variant (6).
Genome position (GRCh38, 1-based): chr2:8,731,862, C>A on the plus strand (G>T on the coding strand, the complement: KIDINS220 is on the minus strand). VCF-style: chr2-8731862-C-A. GRCh37 (hg19) VCF-style: chr2-8871992-C-A.
Other names: c.4177G>T, p.Ala1393Ser (NM_001348729.2); c.4120G>T, p.Ala1374Ser (NM_001348731.2); c.4117G>T, p.Ala1373Ser (NM_001348732.2); c.4006G>T, p.Ala1336Ser (NM_001348734.2); c.4003G>T, p.Ala1335Ser (NM_001348735.2); c.3877G>T, p.Ala1293Ser (NM_001348736.2); c.3882+1582G>T (NM_001348741.2, NM_001348742.2, NM_001348743.2); c.3996+1582G>T (NM_001348738.2); and 1 more; short protein forms A1293S, A1335S, A1373S, A1374S, A1392S, A1393S, A1336S.
Identifiers: ClinVar variation 2120957 (VCV002120957.4), dbSNP rs775077777, ClinGen allele CA345765641.